The following is an entry in ClinVar:

NM_001004320.2(AGMO):c.1016_1017del (p.Thr339fs)

Gene: AGMO (alkylglycerol monooxygenase; minus strand). Cytogenetic location: 7p21.2.
Variant type: Deletion.
Coding change: c.1016_1017del on transcript NM_001004320.2 (MANE Select); coding-DNA positions 1016 to 1017, 2 bases deleted (CA; older notation c.1016_1017delCA).
Protein change: p.Thr339fs; shifts the reading frame from threonine 339.
Molecular consequence: frameshift variant.
Genome position (GRCh38, 1-based): chr7:15,385,503-15,385,504, TG deleted on the plus strand (CA on the coding strand, the reverse complement: AGMO is on the minus strand); deleting any 2 consecutive bases within chr7:15,385,503-15,385,505 gives the same sequence; the c. name uses the placement nearest the transcript's 3' end. VCF-style (leftmost placement, unchanged base first): chr7-15385502-CTG-C. GRCh37 (hg19) VCF-style: chr7-15425127-CTG-C.
Other names: short protein forms T339fs.
Identifiers: ClinVar variation 2429684 (VCV002429684.1), dbSNP rs758155268, ClinGen allele CA4168435.

ClinVar aggregate classification (germline): Uncertain significance (1 of 4 stars; one submission).

Submission:

GeneDx
Classification: Uncertain significance. Last evaluated: 2023-02-08. Review status: criteria provided, single submitter. Criteria: GeneDx Variant Classification Process June 2021. Collection method: clinical testing. Allele origin: germline. Affected: yes.
Comment: Frameshift variant predicted to result in protein truncation or nonsense mediated decay in a gene for which loss of function is a known mechanism of disease; Has not been previously published as pathogenic or benign to our knowledge